The following is an entry in ClinVar:

NM_000256.3(MYBPC3):c.2572A>C (p.Ser858Arg)

Gene: MYBPC3 (myosin binding protein C3; minus strand). Cytogenetic location: 11p11.2.
Variant type: single nucleotide variant.
Coding change: c.2572A>C on transcript NM_000256.3 (MANE Select); coding-DNA position 2572, A replaced by C.
Protein change: p.Ser858Arg; replaces serine 858 with arginine.
Molecular consequence: missense variant.
Genome position (GRCh38, 1-based): chr11:47,337,421, T>G on the plus strand (A>C on the coding strand, the complement: MYBPC3 is on the minus strand). VCF-style: chr11-47337421-T-G. GRCh37 (hg19) VCF-style: chr11-47358972-T-G.
Other names: c.2572A>C, p.Ser858Arg (LRG_386t1); short protein forms S858R.
Identifiers: ClinVar variation 635763 (VCV000635763.3), dbSNP rs1595843553, ClinGen allele CA380318103.

ClinVar aggregate classification (germline): Likely pathogenic. Review status: criteria provided, single submitter (1 of 4 stars). 2 submissions from 1 submitter: Likely pathogenic (1). 1 of the submissions does not count toward it.

Conditions:
Left ventricular noncompaction 10 (LVNC10). Identifiers: Orphanet 154, Orphanet 54260, MedGen C3715165, MONDO:0014163, OMIM 615396.
Left ventricular noncompaction cardiomyopathy. Also called: left ventricular non-compaction cardiomyopathy. Identifiers: MedGen C4021133, HP:0011664.

Submissions (2):

Klaassen Lab, Charite University Medicine Berlin
Classification: Likely pathogenic for Left ventricular noncompaction cardiomyopathy. Review status: criteria provided, single submitter. Criteria: ACMG Guidelines, 2015. Collection method: research. Allele origin: germline. Affected: yes.

Klaassen Lab, Charite University Medicine Berlin
Classification: Likely pathogenic for Left ventricular noncompaction 10. Review status: no assertion criteria provided. Collection method: research. Allele origin: de novo. Affected: yes. Observed: 1 variant allele. Not counted in ClinVar's aggregate classification.
Comment: Found in compound heterozygosity with arr[hg19] 11p11.2(47339995x2,47343435 _47375684x1,47387184x2)

Literature cited by the submitters: PubMed 34540771; PubMed 30924982; PubMed 21551322.